The following is an entry in ClinVar:

NM_000827.4(GRIA1):c.2385+850A>T

Gene: GRIA1 (glutamate ionotropic receptor AMPA type subunit 1; plus strand). Cytogenetic location: 5q33.2.
Variant type: single nucleotide variant.
Coding change: c.2385+850A>T on transcript NM_000827.4 (MANE Select); 850 bases into the intron after coding-DNA position 2385, A replaced by T.
Molecular consequence: intron variant. On other transcripts: missense variant (5), non-coding transcript variant (1).
Genome position (GRCh38, 1-based): chr5:153,795,585, A>T. VCF-style: chr5-153795585-A-T. GRCh37 (hg19) VCF-style: chr5-153175145-A-T.
Other names: c.2380A>T, p.Ser794Cys (NM_001114183.2); c.2095A>T, p.Ser699Cys (NM_001258020.2); c.2410A>T, p.Ser804Cys (NM_001258022.2); c.2407A>T, p.Ser803Cys (NM_001364166.2); c.2173A>T, p.Ser725Cys (NM_001364167.2); c.2217+850A>T (NM_001364165.2); c.2145+850A>T (NM_001258019.2); c.2178+850A>T (NM_001258023.1); and 1 more; short protein forms S725C, S803C, S699C, S794C, S804C.
Identifiers: ClinVar variation 4988633 (VCV004988633.1).

ClinVar aggregate classification (germline): Uncertain significance (1 of 4 stars; one submission).

Conditions:
GRIA1-related disorder. Also called: GRIA1-related condition.

Submission:

PreventionGenetics, part of Exact Sciences
Classification: Uncertain significance for GRIA1-related condition. Last evaluated: 2026-01-06. Review status: criteria provided, single submitter. Criteria: ACMG Guidelines, 2015. Collection method: clinical testing. Allele origin: germline.
Comment: The GRIA1 c.2380A>T variant is predicted to result in the amino acid substitution p.Ser794Cys. To our knowledge, this variant has not been reported in the literature or in a large population database (gnomAD), indicating this variant is rare. At this time, the clinical significance of this variant is uncertain due to the absence of conclusive functional and genetic evidence.